The following is an entry in ClinVar:

NM_000238.4(KCNH2):c.3016G>A (p.Gly1006Ser)

Gene: KCNH2 (potassium voltage-gated channel subfamily H member 2; minus strand). Cytogenetic location: 7q36.1.
Variant type: single nucleotide variant.
Coding change: c.3016G>A on transcript NM_000238.4 (MANE Select); coding-DNA position 3016, G replaced by A.
Protein change: p.Gly1006Ser; replaces glycine 1006 with serine.
Molecular consequence: missense variant. On other transcripts: non-coding transcript variant (2).
Genome position (GRCh38, 1-based): chr7:150,947,464, C>T on the plus strand (G>A on the coding strand, the complement: KCNH2 is on the minus strand). VCF-style: chr7-150947464-C-T. GRCh37 (hg19) VCF-style: chr7-150644552-C-T.
Other names: c.2728G>A, p.Gly910Ser (NM_001406753.1); c.1996G>A, p.Gly666Ser (NM_172057.3); short protein forms G910S, G1006S, G666S.
Identifiers: ClinVar variation 2773418 (VCV002773418.2), dbSNP rs2486005093, ClinGen allele CA369852918.

ClinVar aggregate classification (germline): Uncertain significance (1 of 4 stars; one submission).

Conditions:
Cardiac arrhythmia. Also called: Arrhythmia; Cardiac rhythm disease. Identifiers: MedGen C0003811, MONDO:0007263, HP:0011675.

Allele frequency attached by ClinVar (database versions not stated): gnomAD exomes below 0.00001.
gnomAD v4.1: 1 of 1,571,852 alleles (0.000064%); highest among the groups gnomAD compares: Admixed American, 0.0019%; no homozygotes.

Submission:

Color Diagnostics, LLC DBA Color Health
Classification: Uncertain significance for Cardiac arrhythmia. Last evaluated: 2024-03-07. Review status: criteria provided, single submitter. Criteria: ACMG Guidelines, 2015. Collection method: clinical testing. Allele origin: germline.
Comment: This missense variant replaces glycine with serine at codon 1006 of the KCNH2 protein. Computational prediction suggests that this variant may not impact protein structure and function (internally defined REVEL score threshold <= 0.5, PMID: 27666373). To our knowledge, functional studies have not been reported for this variant. This variant has not been reported in individuals affected with cardiovascular disorders in the literature. This variant has not been identified in the general population by the Genome Aggregation Database (gnomAD). The available evidence is insufficient to determine the role of this variant in disease conclusively. Therefore, this variant is classified as a Variant of Uncertain Significance.